The following is an entry in ClinVar:

NM_004364.5(CEBPA):c.259C>A (p.Gln87Lys)

Gene: CEBPA (CCAAT enhancer binding protein alpha; minus strand). Cytogenetic location: 19q13.11.
Variant type: single nucleotide variant.
Coding change: c.259C>A on transcript NM_004364.5 (MANE Select); coding-DNA position 259, C replaced by A.
Protein change: p.Gln87Lys; replaces glutamine 87 with lysine.
Molecular consequence: missense variant. On other transcripts: 5 prime UTR variant (1).
Genome position (GRCh38, 1-based): chr19:33,302,156, G>T on the plus strand (C>A on the coding strand, the complement: CEBPA is on the minus strand). VCF-style: chr19-33302156-G-T. GRCh37 (hg19) VCF-style: chr19-33793062-G-T.
Other names: c.-99C>A (NM_001285829.2); c.364C>A, p.Gln122Lys (NM_001287424.2); c.217C>A, p.Gln73Lys (NM_001287435.2); short protein forms Q122K, Q73K, Q87K.
Identifiers: ClinVar variation 4746077 (VCV004746077.1).

ClinVar aggregate classification (germline): Uncertain significance (1 of 4 stars; one submission).

Conditions:
Acute myeloid leukemia (AML). Also called: Acute myeloid leukemia, adult; AML adult; Acute non-lymphocytic leukemia; Acute granulocytic leukemia; Leukemia, acute myeloid, somatic; Leukemia, acute myelogenous, somatic. Identifiers: Orphanet 519, MedGen C0023467, MeSH D015470, MONDO:0018874, OMIM 601626, HP:0004808. Disease mechanism: Constitutively activated FLT3.

Submission:

Labcorp Genetics (formerly Invitae), Labcorp
Classification: Uncertain significance for Acute myeloid leukemia. Last evaluated: 2025-03-07. Review status: criteria provided, single submitter. Criteria: Invitae Variant Classification Sherloc (09022015). Collection method: clinical testing. Allele origin: germline.
Comment: This sequence change replaces glutamine, which is neutral and polar, with lysine, which is basic and polar, at codon 87 of the CEBPA protein (p.Gln87Lys). This variant is not present in population databases (gnomAD no frequency). This variant has not been reported in the literature in individuals affected with CEBPA-related conditions. Invitae Evidence Modeling of protein sequence and biophysical properties (such as structural, functional, and spatial information, amino acid conservation, physicochemical variation, residue mobility, and thermodynamic stability) indicates that this missense variant is not expected to disrupt CEBPA protein function with a negative predictive value of 80%. In summary, the available evidence is currently insufficient to determine the role of this variant in disease. Therefore, it has been classified as a Variant of Uncertain Significance.